The following is an entry in ClinVar:

NM_052876.4(NACC1):c.1535C>T (p.Thr512Ile)

Gene: NACC1 (nucleus accumbens associated 1; plus strand). Cytogenetic location: 19p13.13.
Variant type: single nucleotide variant.
Coding change: c.1535C>T on transcript NM_052876.4 (MANE Select); coding-DNA position 1535, C replaced by T.
Protein change: p.Thr512Ile; replaces threonine 512 with isoleucine.
Molecular consequence: missense variant.
Genome position (GRCh38, 1-based): chr19:13,138,357, C>T. VCF-style: chr19-13138357-C-T. GRCh37 (hg19) VCF-style: chr19-13249171-C-T.
Other names: short protein forms T512I.
Identifiers: ClinVar variation 5001714 (VCV005001714.1).

ClinVar aggregate classification (germline): Uncertain significance (1 of 4 stars; one submission).

Conditions:
NACC1-related disorder. Also called: NACC1-related condition.

Submission:

PreventionGenetics, part of Exact Sciences
Classification: Uncertain significance for NACC1-related condition. Last evaluated: 2024-12-12. Review status: criteria provided, single submitter. Criteria: ACMG Guidelines, 2015. Collection method: clinical testing. Allele origin: germline.
Comment: The NACC1 c.1535C>T variant is predicted to result in the amino acid substitution p.Thr512Ile. To our knowledge, this variant has not been reported in the literature or in a large population database (gnomAD), indicating this variant is rare. At this time, the clinical significance of this variant is uncertain due to the absence of conclusive functional and genetic evidence.